The following is an entry in ClinVar:

ClinVar aggregate classification (germline): Uncertain significance (1 of 4 stars; one submission).

Conditions:
Inborn genetic diseases. Identifiers: MedGen C0950123, MeSH D030342.

Submission:

Ambry Genetics
Classification: Uncertain significance for Inborn genetic diseases. Last evaluated: 2026-06-24. Review status: criteria provided, single submitter. Criteria: Ambry Variant Classification Scheme 2023. Collection method: clinical testing. Allele origin: germline.
Comment: The p.M842L variant (also known as c.2524A>T), located in coding exon 22 of the ANKRD26 gene, results from an A to T substitution at nucleotide position 2524. The methionine at codon 842 is replaced by leucine, an amino acid with highly similar properties. This amino acid position is conserved. In addition, this alteration is predicted to be tolerated by in silico analysis. Based on the available evidence, the clinical significance of this variant remains unclear.

NM_014915.3(ANKRD26):c.2524A>T (p.Met842Leu)

Gene: ANKRD26 (ankyrin repeat domain 26; minus strand). Cytogenetic location: 10p12.1.
Variant type: single nucleotide variant.
Coding change: c.2524A>T on transcript NM_014915.3 (MANE Select); coding-DNA position 2524, A replaced by T.
Protein change: p.Met842Leu; replaces methionine 842 with leucine.
Molecular consequence: missense variant.
Genome position (GRCh38, 1-based): chr10:27,037,906, T>A on the plus strand (A>T on the coding strand, the complement: ANKRD26 is on the minus strand). VCF-style: chr10-27037906-T-A. GRCh37 (hg19) VCF-style: chr10-27326835-T-A.
Other names: c.2521A>T, p.Met841Leu (NM_001256053.2); short protein forms M841L, M842L.
Identifiers: ClinVar variation 5022847 (VCV005022847.1).
Genomic context (GRCh38, chr10:27,037,906, plus strand): 5'-AAATTTTTATCAAAAATTAATTTACCTGATTCAAATTACTTTTTACAGTCCTCAATTCCA[T>A]CTCCAGTGTTTGGAGACTCAGTTCAAGCTGTTGTTTCACTTCAACTTCTTTCCTATATTG-3'
Protein context (NP_055730.2, residues 832-852): QLELSLQTLE[Met842Leu]ELRTVKSNLN